The following is an entry in ClinVar:

NM_000369.5(TSHR):c.170+35739C>T

Gene: TSHR (thyroid stimulating hormone receptor; plus strand). Cytogenetic location: 14q31.1.
Variant type: single nucleotide variant.
Coding change: c.170+35739C>T on transcript NM_000369.5 (MANE Select); 35739 bases into the intron after coding-DNA position 170, C replaced by T.
Molecular consequence: intron variant.
Genome position (GRCh38, 1-based): chr14:80,991,589, C>T. VCF-style: chr14-80991589-C-T. GRCh37 (hg19) VCF-style: chr14-81457933-C-T.
Other names: c.170+35739C>T (NM_001142626.3, NM_001018036.3).
Identifiers: ClinVar variation 2644429 (VCV002644429.24), dbSNP rs533640937, ClinGen allele CA264365055.

ClinVar aggregate classification (germline): Likely benign (1 of 4 stars; one submission).

Allele frequency attached by ClinVar (database versions not stated): TOPMed 0.00023; gnomAD 0.00029; gnomAD exomes 0.00041.
gnomAD v4.1: 146 of 398,360 alleles (0.037%); highest among the groups gnomAD compares: Non-Finnish European, 0.054%; no homozygotes.

Submission:

CeGaT Center for Human Genetics Tuebingen
Classification: Likely benign. Last evaluated: 2025-10-01. Review status: criteria provided, single submitter. Criteria: CeGaT Center For Human Genetics Tuebingen Variant Classification Criteria Version 2. Collection method: clinical testing. Allele origin: germline. Affected: yes. Observed: 4 variant alleles.
Comment: TSHR: BP4, BP7